The following is an entry in ClinVar:

ClinVar aggregate classification (germline): Likely pathogenic. Review status: criteria provided, multiple submitters, no conflicts (2 of 4 stars). 10 submissions from 10 submitters: Likely pathogenic (8). 2 of the submissions do not count toward it. Last evaluated 2026-01-27.

Conditions:
Intellectual disability. Also called: Intellectual functioning disability; intellectual disabilities; Intellectual developmental disorder. Identifiers: MedGen C3714756, MeSH D008607, MONDO:0001071, HP:0001249.
Mucopolysaccharidosis, MPS-III-A (MPS3A). Also called: MPS III A; Mucopolysaccharidosis type IIIA (Sanfilippo A); MUCOPOLYSACCHARIDOSIS, TYPE IIIA, ATTENUATED; Mucopolysaccharidosis, type IIIA; HEPARAN SULFATE SULFATASE DEFICIENCY; SANFILIPPO SYNDROME A. Identifiers: Orphanet 581, Orphanet 79269, MedGen C0086647, MONDO:0009655, OMIM 252900.

Allele frequency attached by ClinVar (database versions not stated): ExAC 0.00001; gnomAD 0.00001 and 0.00003; gnomAD exomes 0.00001; TOPMed 0.00002.
gnomAD v4.1: 18 of 1,612,986 alleles (0.0011%); highest among the groups gnomAD compares: East Asian, 0.0045%; no homozygotes.

Submissions (10):

Labcorp Genetics (formerly Invitae), Labcorp
Classification: Likely pathogenic for Mucopolysaccharidosis, MPS-III-A. Last evaluated: 2026-01-27. Review status: criteria provided, single submitter. Criteria: Invitae Variant Classification Sherloc (09022015). Collection method: clinical testing. Allele origin: germline.
Comment: This sequence change replaces threonine, which is neutral and polar, with methionine, which is neutral and non-polar, at codon 139 of the SGSH protein (p.Thr139Met). This variant is present in population databases (rs775112689, gnomAD 0.004%). This missense change has been observed in individual(s) with Sanfilippo syndrome (PMID: 9285796, 24576347). It has also been observed to segregate with disease in related individuals. ClinVar contains an entry for this variant (Variation ID: 551670). Invitae Evidence Modeling of protein sequence and biophysical properties (such as structural, functional, and spatial information, amino acid conservation, physicochemical variation, residue mobility, and thermodynamic stability) indicates that this missense variant is expected to disrupt SGSH protein function with a positive predictive value of 95%. In summary, the currently available evidence indicates that the variant is pathogenic, but additional data are needed to prove that conclusively. Therefore, this variant has been classified as Likely Pathogenic.

Myriad Genetics, Inc.
Classification: Likely pathogenic for Mucopolysaccharidosis, MPS-III-A. Last evaluated: 2025-10-21. Review status: criteria provided, single submitter. Criteria: Myriad Autosomal Dominant, Autosomal Recessive and X-Linked Classification Criteria (2023). Collection method: clinical testing. Allele origin: unknown.
Comment: NM_000199.3(SGSH):c.416C>T(T139M) is a missense variant classified as likely pathogenic in the context of mucopolysaccharidosis type IIIA. T139M has been observed in cases with relevant disease (PMID: 24576347, 35835061, 34690354, 32447333, 9285796). Relevant functional assessments of this variant are not available in the literature. T139M has been observed in referenced population frequency databases. In summary, NM_000199.3(SGSH):c.416C>T(T139M) is a missense variant that has been observed more frequently in cases with the relevant disease than in healthy populations. Please note: this variant was assessed in the context of healthy population screening.

First Genomix Gene Laboratory, Genetic Diagnostics Department
Classification: Likely pathogenic for Mucopolysaccharidosis, MPS-III-A. Last evaluated: 2025-03-28. Review status: criteria provided, single submitter. Criteria: ACMG Guidelines, 2015. Collection method: clinical testing. Allele origin: germline. Inheritance: Autosomal recessive inheritance. Affected: no. Observed: 1 variant allele.

Natera, Inc.
Classification: Likely pathogenic for Mucopolysaccharidosis type IIIA. Last evaluated: 2024-03-21. Review status: criteria provided, single submitter. Criteria: Natera Variant Classification Schema (03/2026). Collection method: clinical testing. Allele origin: germline.
Comment: The c.416C>T variant in SGSH is a missense variant predicted to cause substitution of threonine to methionine at amino acid 139. This variant is rare in the general population with a frequency below the threshold expected for the associated phenotype(s). This variant has been observed in one or more individuals affected with the associated recessive disease, as either homozygous or compound heterozygous with a second variant (PMID: 24576347, 35835061, 34690354). Additionally, this variant has been observed to segregate in affected family members (PMID: 24576347). Computational prediction algorithms indicate this variant is likely to affect gene or protein function. Given the available evidence, this variant is classified as Likely Pathogenic.

Fulgent Genetics
Classification: Likely pathogenic for Mucopolysaccharidosis, MPS-III-A. Last evaluated: 2024-03-07. Review status: criteria provided, single submitter. Criteria: ACMG Guidelines, 2015. Collection method: clinical testing. Allele origin: germline.

Genome-Nilou Lab
Classification: Likely pathogenic for Mucopolysaccharidosis, MPS-III-A. Last evaluated: 2021-11-07. Review status: criteria provided, single submitter. Criteria: ACMG Guidelines, 2015. Collection method: clinical testing. Allele origin: germline. Affected: no.

Institute of Human Genetics, University of Leipzig Medical Center
Classification: Likely pathogenic for Intellectual disability. Last evaluated: 2021-02-25. Review status: criteria provided, single submitter. Criteria: ACMG Guidelines, 2015. Collection method: clinical testing. Allele origin: unknown. Inheritance: Autosomal recessive inheritance. Affected: yes.
Comment: Inheritance was not applicable (heterozygous). The variant was reviewed according to current ACMG recommendations and classified as Likely Pathogenic (criteria: PM2_Supporting, PM3_Strong, PP3_Supporting, PP4_Supporting). This variant was identified in a compound heterozygous state with the variantNM_000199.5(SGSH):c.267C>A (p.Tyr89Ter) ( Variation ID: 983123).

Juno Genomics, Hangzhou Juno Genomics, Inc
Classification: Likely pathogenic for Mucopolysaccharidosis, MPS-III-A. Review status: criteria provided, single submitter. Criteria: ACMG Guidelines, 2015. Collection method: clinical testing. Allele origin: germline. Affected: yes.
Comment: Absent from controls (or at extremely low frequency if recessive) in Genome Aggregation Database, Exome Sequencing Project, 1000 Genomes Project, or Exome Aggregation Consortium.;Multiple lines of computational evidence support a deleterious effect on the gene or gene product (conservation, evolutionary, splicing impact, etc).;For recessive disorders, detected in trans with a pathogenic variant.;Co-segregation with disease in multiple affected family members in a gene definitively known to cause the disease.;Patient's phenotype or family history is highly specific for a disease with a single genetic etiology.

Section for Clinical Neurogenetics, University of Tübingen
Classification: Pathogenic for Mucopolysaccharidosis, MPS-III-A. Last evaluated: 2019-08-01. Review status: no assertion criteria provided. Collection method: research. Allele origin: germline. Affected: yes. Not counted in ClinVar's aggregate classification.

Neuberg Centre For Genomic Medicine, NCGM
Classification: Uncertain significance for Mucopolysaccharidosis, MPS-III-A. Review status: flagged submission. Criteria: ACMG Guidelines, 2015. Collection method: clinical testing. Allele origin: germline. Inheritance: Autosomal recessive inheritance. Affected: yes. Not counted in ClinVar's aggregate classification.
Comment: The missense variant p.T139M in SGSH (NM_000199.5) has been submitted previously to ClinVar with conflicting interpretations of pathogenicity (Likely Pathogenic/ Uncertain Significance). No details for independent assesment are available for the Likely Pathogenic classification. It has not been reported previously in affected individuals to the best of our knowledge. The p.T139M variant is observed in 1/16,194 (0.0062%) alleles from individuals of African background in gnomAD Exomes and is novel (not in any individuals) in 1000 Genomes.The p.T139M missense variant is predicted to be damaging by both SIFT and PolyPhen2. The threonine residue at codon 139 of SGSH is conserved in all mammalian species. The nucleotide c.416 in SGSH is predicted conserved by GERP++ and PhyloP across 100 vertebrates. For these reasons, this variant has been classified as Uncertain Significance.
ClinVar note: Reason: Outlier claim with insufficient supporting evidence

Literature cited by the submitters: PubMed 9285796 (cited by Labcorp Genetics (formerly Invitae), Labcorp and Myriad Genetics, Inc.); PubMed 24576347 (cited by 4 submitters); PubMed 32447333 (cited by Myriad Genetics, Inc.); PubMed 34690354 (cited by Myriad Genetics, Inc. and Natera, Inc.); PubMed 35835061 (cited by Myriad Genetics, Inc. and Natera, Inc.); PubMed 32214227 (cited by Section for Clinical Neurogenetics, University of Tübingen).

NM_000199.5(SGSH):c.416C>T (p.Thr139Met)

Gene: SGSH (N-sulfoglucosamine sulfohydrolase; minus strand). Cytogenetic location: 17q25.3.
Variant type: single nucleotide variant.
Coding change: c.416C>T on transcript NM_000199.5 (MANE Select); coding-DNA position 416, C replaced by T.
Protein change: p.Thr139Met; replaces threonine 139 with methionine.
Molecular consequence: missense variant. On other transcripts: non-coding transcript variant (1).
Genome position (GRCh38, 1-based): chr17:80,214,705, G>A on the plus strand (C>T on the coding strand, the complement: SGSH is on the minus strand). VCF-style: chr17-80214705-G-A. GRCh37 (hg19) VCF-style: chr17-78188504-G-A.
Other names: c.416C>T (NM_000199.4); c.416C>T, p.Thr139Met (NM_001352921.3, NM_001352922.2); short protein forms T139M.
Identifiers: ClinVar variation 551670 (VCV000551670.24), dbSNP rs775112689, ClinGen allele CA8818020.